The following is an entry in ClinVar:

ClinVar aggregate classification (germline): Pathogenic. Review status: criteria provided, multiple submitters, no conflicts (2 of 4 stars). 3 submissions from 3 submitters: Pathogenic (3). Last evaluated 2025-02-05.

Conditions:
Leber congenital amaurosis 8 (LCA8). Identifiers: Orphanet 65, MedGen C3151202, MONDO:0013453, OMIM 613835.
Retinitis pigmentosa 12 (RP12). Also called: RP WITH OR WITHOUT PRESERVED PARAARTERIOLE RETINAL PIGMENT EPITHELIUM; RETINITIS PIGMENTOSA WITH OR WITHOUT PARAARTERIOLAR PRESERVATION OF RETINAL PIGMENT EPITHELIUM; RP WITH OR WITHOUT PPRPE. Identifiers: Orphanet 791, MedGen C1838647, MONDO:0010818, OMIM 600105.

Submissions (3):

SingHealth Duke-NUS Institute of Precision Medicine
Classification: Pathogenic for Leber congenital amaurosis 8. Last evaluated: 2025-02-05. Review status: criteria provided, single submitter. Criteria: PRISM ACMG Classification Criteria. Collection method: clinical testing. Allele origin: germline. Affected: yes.
Comment: Cryptic splice site is not predicted to cause nonsense-mediated decay, but may cause LOFPVS1. Variant is not found in gnomAD exomes or genomes (PM2).

Labcorp Genetics (formerly Invitae), Labcorp
Classification: Pathogenic for Leber congenital amaurosis 8; Retinitis pigmentosa 12. Last evaluated: 2022-10-24. Review status: criteria provided, single submitter. Criteria: Invitae Variant Classification Sherloc (09022015). Collection method: clinical testing. Allele origin: germline.
Comment: For these reasons, this variant has been classified as Pathogenic. Variants that disrupt the consensus splice site are a relatively common cause of aberrant splicing (PMID: 17576681, 9536098). Algorithms developed to predict the effect of sequence changes on RNA splicing suggest that this variant may disrupt the consensus splice site. Disruption of this splice site has been observed in individuals with CRB1-related conditions (PMID: 21602930, 33342761). This variant is not present in population databases (gnomAD no frequency). This sequence change affects a donor splice site in intron 11 of the CRB1 gene. While this variant is not anticipated to result in nonsense mediated decay, it likely alters RNA splicing and results in a disrupted protein product.

Juno Genomics, Hangzhou Juno Genomics, Inc
Classification: Pathogenic for Retinitis pigmentosa 12; Leber congenital amaurosis 8. Review status: criteria provided, single submitter. Criteria: ACMG Guidelines, 2015. Collection method: clinical testing. Allele origin: germline. Affected: yes.
Comment: Absent from controls (or at extremely low frequency if recessive) in Genome Aggregation Database.;Null variant in a gene where loss of function (LOF) is a known mechanism of disease.;Same amino acid change as a previously established pathogenic variant regardless of nucleotide change.;For recessive disorders, detected in trans with a pathogenic variant.;Patient's phenotype or family history is highly specific for a disease with a single genetic etiology.

Literature cited by the submitters: PubMed 17576681 (cited by Labcorp Genetics (formerly Invitae), Labcorp); PubMed 9536098 (cited by Labcorp Genetics (formerly Invitae), Labcorp); PubMed 21602930 (cited by Labcorp Genetics (formerly Invitae), Labcorp); PubMed 33342761 (cited by Labcorp Genetics (formerly Invitae), Labcorp).

NM_201253.3(CRB1):c.4005+2T>G

Gene: CRB1 (crumbs cell polarity complex component 1; plus strand). Cytogenetic location: 1q31.3.
Variant type: single nucleotide variant.
Coding change: c.4005+2T>G on transcript NM_201253.3 (MANE Select); the canonical splice donor site of the intron after coding-DNA position 4005, T replaced by G.
Molecular consequence: splice donor variant. On other transcripts: non-coding transcript variant (1).
Genome position (GRCh38, 1-based): chr1:197,442,294, T>G. VCF-style: chr1-197442294-T-G. GRCh37 (hg19) VCF-style: chr1-197411424-T-G.
Other names: c.3933+2T>G (NM_001257965.2); c.2397+2T>G (NM_001257966.2); c.3669+2T>G (NM_001193640.2).
Identifiers: ClinVar variation 2202917 (VCV002202917.6), dbSNP rs2125514028, ClinGen allele CA344052791.